The following is an entry in ClinVar:

NM_006073.4(TRDN):c.863C>T (p.Pro288Leu)

Genes: TRDN (triadin; minus strand), TRDN-AS1 (TRDN antisense RNA 1; plus strand). Cytogenetic location: 6q22.31.
Variant type: single nucleotide variant.
Coding change: c.863C>T on transcript NM_006073.4 (MANE Select); coding-DNA position 863, C replaced by T.
Protein change: p.Pro288Leu; replaces proline 288 with leucine.
Molecular consequence: missense variant.
Genome position (GRCh38, 1-based): chr6:123,464,974, G>A on the plus strand (C>T on the coding strand, the complement: TRDN is on the minus strand). VCF-style: chr6-123464974-G-A. GRCh37 (hg19) VCF-style: chr6-123786119-G-A.
Other names: c.863C>T, p.Pro288Leu (NM_001251987.2); c.803C>T, p.Pro268Leu (NM_001256020.2); short protein forms P268L, P288L.
Identifiers: ClinVar variation 665590 (VCV000665590.10), dbSNP rs1408332939, ClinGen allele CA365566988.

ClinVar aggregate classification (germline): Uncertain significance. Review status: criteria provided, multiple submitters, no conflicts (2 of 4 stars). 2 submissions from 2 submitters: Uncertain significance (2). Last evaluated 2024-07-08.

Conditions:
Catecholaminergic polymorphic ventricular tachycardia 1. Also called: VENTRICULAR TACHYCARDIA, CATECHOLAMINERGIC POLYMORPHIC, 1, WITH OR WITHOUT ATRIAL DYSFUNCTION AND/OR DILATED CARDIOMYOPATHY; VENTRICULAR TACHYCARDIA, STRESS-INDUCED POLYMORPHIC 1; RYR2-Related Catecholaminergic Polymorphic Ventricular Tachycardia. Identifiers: Orphanet 3286, MedGen C1631597, MONDO:0011484, OMIM 604772.

Allele frequency attached by ClinVar (database versions not stated): TOPMed 0.00001; gnomAD exomes 0.00002 and 0.00003.
gnomAD v4.1: 36 of 1,594,498 alleles (0.0023%); highest among the groups gnomAD compares: Non-Finnish European, 0.0031%; no homozygotes.

Submissions (2):

Blueprint Genetics
Classification: Uncertain significance. Last evaluated: 2024-07-08. Review status: criteria provided, single submitter. Criteria: ACMG Guidelines, 2015. Collection method: clinical testing. Allele origin: germline.

Labcorp Genetics (formerly Invitae), Labcorp
Classification: Uncertain significance for Catecholaminergic polymorphic ventricular tachycardia 1. Last evaluated: 2022-10-30. Review status: criteria provided, single submitter. Criteria: Invitae Variant Classification Sherloc (09022015). Collection method: clinical testing. Allele origin: germline.
Comment: This sequence change replaces proline, which is neutral and non-polar, with leucine, which is neutral and non-polar, at codon 288 of the TRDN protein (p.Pro288Leu). The frequency data for this variant in the population databases is considered unreliable, as metrics indicate poor data quality at this position in the gnomAD database. This missense change has been observed in individual(s) with long QT syndrome (Invitae). ClinVar contains an entry for this variant (Variation ID: 665590). Advanced modeling of protein sequence and biophysical properties (such as structural, functional, and spatial information, amino acid conservation, physicochemical variation, residue mobility, and thermodynamic stability) performed at Invitae indicates that this missense variant is expected to disrupt TRDN protein function. In summary, the available evidence is currently insufficient to determine the role of this variant in disease. Therefore, it has been classified as a Variant of Uncertain Significance.